The following is an entry in ClinVar:

NM_000883.4(IMPDH1):c.1618A>G (p.Lys540Glu)

Gene: IMPDH1 (inosine monophosphate dehydrogenase 1; minus strand). Cytogenetic location: 7q32.1.
Variant type: single nucleotide variant.
Coding change: c.1618A>G on transcript NM_000883.4 (MANE Select); coding-DNA position 1618, A replaced by G.
Protein change: p.Lys540Glu; replaces lysine 540 with glutamic acid.
Molecular consequence: missense variant.
Genome position (GRCh38, 1-based): chr7:128,394,532, T>C on the plus strand (A>G on the coding strand, the complement: IMPDH1 is on the minus strand). VCF-style: chr7-128394532-T-C. GRCh37 (hg19) VCF-style: chr7-128034586-T-C.
Other names: c.1588A>G, p.Lys530Glu (NM_001102605.2); c.1363A>G, p.Lys455Glu (NM_001142573.2); c.1348A>G, p.Lys450Glu (NM_001142574.2); c.1288A>G, p.Lys430Glu (NM_001142575.2); c.1519A>G, p.Lys507Glu (NM_001142576.2); c.1411A>G, p.Lys471Glu (NM_001304521.2); c.1510A>G, p.Lys504Glu (NM_183243.3); short protein forms K455E, K471E, K430E, K507E, K450E, K504E, K530E, K540E.
Identifiers: ClinVar variation 2724990 (VCV002724990.3), dbSNP rs2535726109, ClinGen allele CA369162198.

ClinVar aggregate classification (germline): Uncertain significance (1 of 4 stars; one submission).

Submission:

Labcorp Genetics (formerly Invitae), Labcorp
Classification: Uncertain significance. Last evaluated: 2023-11-09. Review status: criteria provided, single submitter. Criteria: Invitae Variant Classification Sherloc (09022015). Collection method: clinical testing. Allele origin: germline.
Comment: This sequence change replaces lysine, which is basic and polar, with glutamic acid, which is acidic and polar, at codon 540 of the IMPDH1 protein (p.Lys540Glu). This variant is not present in population databases (gnomAD no frequency). This variant has not been reported in the literature in individuals affected with IMPDH1-related conditions. An algorithm developed to predict the effect of missense changes on protein structure and function (PolyPhen-2) suggests that this variant is likely to be disruptive. In summary, the available evidence is currently insufficient to determine the role of this variant in disease. Therefore, it has been classified as a Variant of Uncertain Significance.